The following is an entry in ClinVar:

NM_006612.6(KIF1C):c.567C>T (p.Tyr189=)

Gene: KIF1C (kinesin family member 1C; plus strand). Cytogenetic location: 17p13.2.
Variant type: single nucleotide variant.
Coding change: c.567C>T on transcript NM_006612.6 (MANE Select); coding-DNA position 567, C replaced by T.
Protein change: p.Tyr189=; no amino-acid change (tyrosine 189 retained).
Molecular consequence: synonymous variant.
Genome position (GRCh38, 1-based): chr17:5,002,601, C>T. VCF-style: chr17-5002601-C-T. GRCh37 (hg19) VCF-style: chr17-4905896-C-T.
Identifiers: ClinVar variation 2053192 (VCV002053192.28), dbSNP rs765354281, ClinGen allele CA8318597.
Genomic context (GRCh38, chr17:5,002,601, plus strand): 5'-GGAGCACCCCATCCTGGGCCCGTACGTGCAGGACCTGTCCAAATTGGCTGTGACCTCCTA[C>T]GCAGACATTGCTGACCTCATGGACTGTGGAAATAAAGCACGGTGAGGCAGGCTGATGGAG-3'
Protein context (NP_006603.2, residues 179-199): QDLSKLAVTS[Tyr189=]ADIADLMDCG

ClinVar aggregate classification (germline): Likely benign. Review status: criteria provided, multiple submitters, no conflicts (2 of 4 stars). 2 submissions from 2 submitters: Likely benign (2). Last evaluated 2024-02-24.

Conditions:
Spastic ataxia 2. Also called: Ataxia, spastic, 2, autosomal recessive. Identifiers: Orphanet 397946, MedGen C1969796, MONDO:0012651, OMIM 611302.

Allele frequency attached by ClinVar (database versions not stated): gnomAD exomes 0.00001; TOPMed 0.00001; ExAC 0.00002.
gnomAD v4.1: 12 of 1,613,892 alleles (0.00074%); highest among the groups gnomAD compares: South Asian, 0.0022%; no homozygotes.

Submissions (2):

Labcorp Genetics (formerly Invitae), Labcorp
Classification: Likely benign for Spastic ataxia 2. Last evaluated: 2024-02-24. Review status: criteria provided, single submitter. Criteria: Invitae Variant Classification Sherloc (09022015). Collection method: clinical testing. Allele origin: germline.

CeGaT Center for Human Genetics Tuebingen
Classification: Likely benign. Last evaluated: 2023-10-01. Review status: criteria provided, single submitter. Criteria: CeGaT Center For Human Genetics Tuebingen Variant Classification Criteria Version 2. Collection method: clinical testing. Allele origin: germline. Affected: yes. Observed: 1 variant allele.
Comment: KIF1C: BP4, BP7